The following is an entry in ClinVar:

ClinVar aggregate classification (germline): Uncertain significance (1 of 4 stars; one submission).

Conditions:
Inborn genetic diseases. Identifiers: MedGen C0950123, MeSH D030342.

Submission:

Ambry Genetics
Classification: Uncertain significance for Inborn genetic diseases. Last evaluated: 2023-02-08. Review status: criteria provided, single submitter. Criteria: Ambry Variant Classification Scheme 2023. Collection method: clinical testing. Allele origin: germline.
Comment: The p.I44L variant (also known as c.130A>C), located in coding exon 2 of the ATR gene, results from an A to C substitution at nucleotide position 130. The isoleucine at codon 44 is replaced by leucine, an amino acid with highly similar properties. This amino acid position is conserved. In addition, this alteration is predicted to be tolerated by in silico analysis. Since supporting evidence is limited at this time, the clinical significance of this alteration remains unclear.

NM_001184.4(ATR):c.130A>C (p.Ile44Leu)

Gene: ATR (ATR checkpoint kinase; minus strand). Cytogenetic location: 3q23.
Variant type: single nucleotide variant.
Coding change: c.130A>C on transcript NM_001184.4 (MANE Select); coding-DNA position 130, A replaced by C.
Protein change: p.Ile44Leu; replaces isoleucine 44 with leucine.
Molecular consequence: missense variant.
Genome position (GRCh38, 1-based): chr3:142,568,084, T>G on the plus strand (A>C on the coding strand, the complement: ATR is on the minus strand). VCF-style: chr3-142568084-T-G. GRCh37 (hg19) VCF-style: chr3-142286926-T-G.
Other names: c.130A>C, p.Ile44Leu (NM_001354579.2); short protein forms I44L.
Identifiers: ClinVar variation 2496603 (VCV002496603.2), dbSNP rs2473446081, ClinGen allele CA354828968.